The following is an entry in ClinVar:

ClinVar aggregate classification (germline): Benign. Review status: criteria provided, multiple submitters, no conflicts (2 of 4 stars). 4 submissions from 2 submitters: Benign (4). Last evaluated 2018-01-13.

Conditions:
Chronic infantile neurological, cutaneous and articular syndrome (CINCA). Also called: CINCA syndrome; Prieur Griscelli syndrome; CRYOPYRIN-ASSOCIATED PERIODIC SYNDROME 3; CHRONIC NEUROLOGIC CUTANEOUS AND ARTICULAR SYNDROME. Identifiers: Orphanet 1451, MedGen C0409818, MONDO:0011776, OMIM 607115.
Familial cold autoinflammatory syndrome 1 (FCAS1). Also called: CRYOPYRIN-ASSOCIATED PERIODIC SYNDROME 1; Familial cold inflammatory syndrome 1. Identifiers: Orphanet 47045, MedGen C4551895, MONDO:0007349, OMIM 120100.
Familial amyloid nephropathy with urticaria AND deafness (MWS). Also called: UDA SYNDROME; URTICARIA-DEAFNESS-AMYLOIDOSIS SYNDROME; MUCKLE-WELLS SYNDROME; Urticaria, deafness and amyloidosis; CRYOPYRIN-ASSOCIATED PERIODIC SYNDROME 2. Identifiers: Orphanet 575, MedGen C0268390, MONDO:0008633, OMIM 191900.

Allele frequency attached by ClinVar (database versions not stated): gnomAD exomes 0.52972; gnomAD 0.54558 and 0.54279; 1000 Genomes Project 30x 0.48688; TOPMed 0.53430; 1000 Genomes Project 0.48842.

Submissions (4):

Illumina Laboratory Services, Illumina
Classification: Benign for Familial amyloid nephropathy with urticaria AND deafness. Last evaluated: 2018-01-13. Review status: criteria provided, single submitter. Criteria: ICSL Variant Classification Criteria 13 December 2019. Collection method: clinical testing. Allele origin: germline.
Comment: This variant was observed in the ICSL laboratory as part of a predisposition screen in an ostensibly healthy population. It had not been previously curated by ICSL or reported in the Human Gene Mutation Database (HGMD: prior to June 1st, 2018), and was therefore a candidate for classification through an automated scoring system. Utilizing variant allele frequency, disease prevalence and penetrance estimates, and inheritance mode, an automated score was calculated to assess if this variant is too frequent to cause the disease. Based on the score and internal cut-off values, a variant classified as benign is not then subjected to further curation. The score for this variant resulted in a classification of benign for this disease.

Illumina Laboratory Services, Illumina
Classification: Benign for Chronic infantile neurological, cutaneous and articular syndrome. Last evaluated: 2018-01-13. Review status: criteria provided, single submitter. Criteria: ICSL Variant Classification Criteria 13 December 2019. Collection method: clinical testing. Allele origin: germline.
Comment: the same text as in the submission from Illumina Laboratory Services, Illumina above.

Illumina Laboratory Services, Illumina
Classification: Benign for Familial cold autoinflammatory syndrome 1. Last evaluated: 2018-01-13. Review status: criteria provided, single submitter. Criteria: ICSL Variant Classification Criteria 13 December 2019. Collection method: clinical testing. Allele origin: germline.
Comment: the same text as in the submission from Illumina Laboratory Services, Illumina above.

Breakthrough Genomics
Classification: Benign. Review status: criteria provided, single submitter. Criteria: ACMG Guidelines, 2015. Collection method: not provided. Allele origin: germline. Inheritance: Autosomal dominant inheritance. Affected: yes.

NM_004895.4(NLRP3):c.*489C>T

Gene: NLRP3 (NLR family pyrin domain containing 3; plus strand). Cytogenetic location: 1q44.
Variant type: single nucleotide variant.
Coding change: c.*489C>T on transcript NM_004895.4; 489 bases downstream of the stop codon, C replaced by T.
Genome position (GRCh38, 1-based): chr1:247,448,993, C>T. VCF-style: chr1-247448993-C-T. GRCh37 (hg19) VCF-style: chr1-247612295-C-T.
Identifiers: ClinVar variation 296961 (VCV000296961.8), dbSNP rs10802502, ClinGen allele CA10609973.
Genomic context (GRCh38, chr1:247,448,993, plus strand): 5'-TTGACTATATATTATGTTGAAATTTTATGGCAGCTATTTATTTATTTAAATTTTTTGTAA[C>T]AGTTTTGTTTTCTAATAAGAAAAATCCATGCTTTTTGTAGCTGGTTGAAAATTCAGGAAT-3'